The following is an entry in ClinVar:

ClinVar aggregate classification (germline): Pathogenic (1 of 4 stars; one submission).

Submission:

GeneDx
Classification: Pathogenic. Last evaluated: 2025-03-05. Review status: criteria provided, single submitter. Criteria: GeneDx Variant Classification Process June 2021. Collection method: clinical testing. Allele origin: germline. Affected: yes.
Comment: Nonsense variant predicted to result in protein truncation or nonsense mediated decay in a gene for which loss of function is a known mechanism of disease; Not observed at significant frequency in large population cohorts (gnomAD); Has not been previously published as pathogenic or benign to our knowledge

NM_016628.5(WAC):c.1474C>T (p.Gln492Ter)

Gene: WAC (WW domain containing adaptor with coiled-coil; plus strand). Cytogenetic location: 10p12.1.
Variant type: single nucleotide variant.
Coding change: c.1474C>T on transcript NM_016628.5 (MANE Select); coding-DNA position 1474, C replaced by T.
Protein change: p.Gln492Ter; replaces glutamine 492 with a stop codon.
Molecular consequence: nonsense.
Genome position (GRCh38, 1-based): chr10:28,614,603, C>T. VCF-style: chr10-28614603-C-T. GRCh37 (hg19) VCF-style: chr10-28903532-C-T.
Other names: c.1339C>T, p.Gln447Ter (NM_100264.3); c.1165C>T, p.Gln389Ter (NM_100486.4); short protein forms Q389*, Q447*, Q492*.
Identifiers: ClinVar variation 4082821 (VCV004082821.1).